The following is an entry in ClinVar:

NM_001184880.2(PCDH19):c.1859T>C (p.Val620Ala)

Gene: PCDH19 (protocadherin 19; minus strand). Cytogenetic location: Xq22.1.
Variant type: single nucleotide variant.
Coding change: c.1859T>C on transcript NM_001184880.2 (MANE Select); coding-DNA position 1859, T replaced by C.
Protein change: p.Val620Ala; replaces valine 620 with alanine.
Molecular consequence: missense variant.
Genome position (GRCh38, 1-based): chrX:100,406,739, A>G on the plus strand (T>C on the coding strand, the complement: PCDH19 is on the minus strand). VCF-style: chrX-100406739-A-G. GRCh37 (hg19) VCF-style: chrX-99661737-A-G.
Other names: c.1859T>C, p.Val620Ala (NM_001105243.2, NM_020766.3); short protein forms V620A.
Identifiers: ClinVar variation 3695131 (VCV003695131.2).

ClinVar aggregate classification (germline): Uncertain significance (1 of 4 stars; one submission).

Conditions:
Developmental and epileptic encephalopathy, 9 (DEE9). Also called: EPILEPSY, FEMALE-RESTRICTED, WITH MENTAL RETARDATION; Early infantile epileptic encephalopathy 9; PCDH19-Related X-Linked Female-Limited Epilepsy with Mental Retardation; JUBERG-HELLMAN SYNDROME. Identifiers: Orphanet 101039, Orphanet 2076, MedGen C1848137, MONDO:0010246, OMIM 300088. Disease mechanism: loss of function.

gnomAD v4.1: 2 of 1,209,542 alleles (0.00017%); highest among the groups gnomAD compares: African/African-American, 0.0035%; no homozygotes.

Submission:

Labcorp Genetics (formerly Invitae), Labcorp
Classification: Uncertain significance for Developmental and epileptic encephalopathy, 9. Last evaluated: 2024-06-05. Review status: criteria provided, single submitter. Criteria: Invitae Variant Classification Sherloc (09022015). Collection method: clinical testing. Allele origin: germline.
Comment: This sequence change replaces valine, which is neutral and non-polar, with alanine, which is neutral and non-polar, at codon 620 of the PCDH19 protein (p.Val620Ala). This variant is not present in population databases (gnomAD no frequency). This variant has not been reported in the literature in individuals affected with PCDH19-related conditions. Advanced modeling of protein sequence and biophysical properties (such as structural, functional, and spatial information, amino acid conservation, physicochemical variation, residue mobility, and thermodynamic stability) performed at Invitae indicates that this missense variant is not expected to disrupt PCDH19 protein function with a negative predictive value of 95%. In summary, the available evidence is currently insufficient to determine the role of this variant in disease. Therefore, it has been classified as a Variant of Uncertain Significance.